The following is an entry in ClinVar:

ClinVar aggregate classification (germline): Uncertain significance (1 of 4 stars; one submission).

Conditions:
MPIG6B-related disorder. Also called: MPIG6B-related condition.

gnomAD v4.1: 42 of 1,610,514 alleles (0.0026%); highest among the groups gnomAD compares: Admixed American, 0.07%; 1 homozygote.

Submission:

PreventionGenetics, part of Exact Sciences
Classification: Uncertain significance for MPIG6B-related condition. Last evaluated: 2026-05-11. Review status: criteria provided, single submitter. Criteria: ACMG Guidelines, 2015. Collection method: clinical testing. Allele origin: germline.
Comment: The MPIG6B c.125T>A variant is predicted to result in the amino acid substitution p.Ile42Asn. To our knowledge, this variant has not been reported in the literature. This variant is reported in 0.11% of alleles in individuals of Latino descent in gnomAD. At the time of reporting this variant was absent from ClinVar. Although we suspect that this variant may be benign, at this time, the clinical significance of this variant is uncertain due to the absence of conclusive functional and genetic evidence.

NM_138272.3(MPIG6B):c.125T>A (p.Ile42Asn)

Gene: MPIG6B (megakaryocyte and platelet inhibitory receptor G6b; plus strand). Cytogenetic location: 6p21.33.
Variant type: single nucleotide variant.
Coding change: c.125T>A on transcript NM_138272.3 (MANE Select); coding-DNA position 125, T replaced by A.
Protein change: p.Ile42Asn; replaces isoleucine 42 with asparagine.
Molecular consequence: missense variant.
Genome position (GRCh38, 1-based): chr6:31,723,702, T>A. VCF-style: chr6-31723702-T-A. GRCh37 (hg19) VCF-style: chr6-31691479-T-A.
Other names: c.125T>A, p.Ile42Asn (NM_025260.4, NM_138273.3, NM_138274.3 and 2 more transcripts); short protein forms I42N.
Identifiers: ClinVar variation 4979340 (VCV004979340.1).
Genomic context (GRCh38, chr6:31,723,702, plus strand): 5'-CTCTGGACGGCCGCCCTGGGGACCGGGTGAATCTCTCCTGCGGAGGAGTCTCTCATCCCA[T>A]CCGCTGGGTCTGGGCACCCAGCTTCCCGGCCTGCAAGGGCCTGTCCAAAGGACGCCGACC-3'
Protein context (NP_612116.1, residues 32-52): NLSCGGVSHP[Ile42Asn]RWVWAPSFPA